The following is an entry in ClinVar:

NM_003079.5(SMARCE1):c.417C>G (p.Tyr139Ter)

Gene: SMARCE1 (SWI/SNF related BAF chromatin remodeling complex subunit E1; minus strand). Cytogenetic location: 17q21.2.
Variant type: single nucleotide variant.
Coding change: c.417C>G on transcript NM_003079.5 (MANE Select); coding-DNA position 417, C replaced by G.
Protein change: p.Tyr139Ter; replaces tyrosine 139 with a stop codon.
Molecular consequence: nonsense.
Genome position (GRCh38, 1-based): chr17:40,636,055, G>C on the plus strand (C>G on the coding strand, the complement: SMARCE1 is on the minus strand). VCF-style: chr17-40636055-G-C. GRCh37 (hg19) VCF-style: chr17-38792307-G-C.
Other names: short protein forms Y139*.
Identifiers: ClinVar variation 480956 (VCV000480956.5), dbSNP rs1555605752, ClinGen allele CA399366628.

ClinVar aggregate classification (germline): Pathogenic (1 of 4 stars; one submission).

Conditions:
Hereditary cancer-predisposing syndrome. Also called: Hereditary Cancer Syndrome; Neoplastic Syndromes, Hereditary; Tumor predisposition; Hereditary neoplastic syndrome. Identifiers: Orphanet 140162, MedGen C0027672, MeSH D009386, MONDO:0015356.

Submission:

Ambry Genetics
Classification: Pathogenic for Hereditary cancer-predisposing syndrome. Last evaluated: 2023-12-05. Review status: criteria provided, single submitter. Criteria: Ambry Variant Classification Scheme 2023. Collection method: clinical testing. Allele origin: germline.
Comment: The p.Y139* pathogenic mutation (also known as c.417C>G), located in coding exon 6 of the SMARCE1 gene, results from a C to G substitution at nucleotide position 417. This changes the amino acid from a tyrosine to a stop codon within coding exon 6. This variant is considered to be rare based on population cohorts in the Genome Aggregation Database (gnomAD). This alteration is expected to result in loss of function by premature protein truncation or nonsense-mediated mRNA decay. Loss-of-function variants in SMARCE1 are known to cause increased risk of meningiomas; however, such associations with neurodevelopmental disorders are exceedingly rare (Kosho T et al. Am J Med Genet C Semin Med Genet. 2014 Sep;166C(3):262-75; Smith JM et al. Nat Genet. 2013 Mar;45(3):295-8). Based on the supporting evidence, this alteration is pathogenic for an increased risk of meningiomas; however, the association of this alteration with Coffin-Siris syndrome is unlikely.